The following is an entry in ClinVar:

NM_024649.5(BBS1):c.1389_1405dup (p.Gln469fs)

Genes: BBS1 (Bardet-Biedl syndrome 1; plus strand), ZDHHC24 (zDHHC palmitoyltransferase 24; minus strand). Cytogenetic location: 11q13.2.
Variant type: Duplication.
Coding change: c.1389_1405dup on transcript NM_024649.5 (MANE Select); coding-DNA positions 1389 to 1405, 17 bases duplicated (TGCCCGCGCCTACCTGC).
Protein change: p.Gln469fs; shifts the reading frame from glutamine 469.
Molecular consequence: frameshift variant. On other transcripts: intron variant (1).
Genome position (GRCh38, 1-based): chr11:66,529,868-66,529,884, TGCCCGCGCCTACCTGC duplicated; duplicating any 17 consecutive bases within chr11:66,529,865-66,529,884 gives the same sequence; the c. name uses the placement nearest the transcript's 3' end. VCF-style (leftmost placement, unchanged base first): chr11-66529864-G-GTGCTGCCCGCGCCTACC. GRCh37 (hg19) VCF-style: chr11-66297335-G-GTGCTGCCCGCGCCTACC.
Other names: c.560-393_560-377dup (NM_001348571.2); short protein forms Q469fs.
Identifiers: ClinVar variation 2818117 (VCV002818117.3), dbSNP rs2495830212, ClinGen allele CA2739270565.
Genomic context (GRCh38, chr11:66,529,864, plus strand): 5'-GACCCTTCTCCACAGCCATGCACCGGGCCTTCCAGACAGACCTATACCTGCTGCGCCTAC[G>GTGCTGCCCGCGCCTACC]TGCTGCCCGCGCCTACCTGCAGGCCCTCGAGTCCAGCCTGAGCCCCCTGTCCACGACAGC-3'

ClinVar aggregate classification (germline): Pathogenic (1 of 4 stars; one submission).

Conditions:
Bardet-Biedl syndrome (BBS). Identifiers: Orphanet 110, MedGen C0752166, MONDO:0015229.

Submission:

Labcorp Genetics (formerly Invitae), Labcorp
Classification: Pathogenic for Bardet-Biedl syndrome. Last evaluated: 2023-12-13. Review status: criteria provided, single submitter. Criteria: Invitae Variant Classification Sherloc (09022015). Collection method: clinical testing. Allele origin: germline.
Comment: This sequence change creates a premature translational stop signal (p.Gln469Leufs*13) in the BBS1 gene. It is expected to result in an absent or disrupted protein product. Loss-of-function variants in BBS1 are known to be pathogenic (PMID: 12118255, 21520335, 27032803). This variant is not present in population databases (gnomAD no frequency). This variant has not been reported in the literature in individuals affected with BBS1-related conditions. For these reasons, this variant has been classified as Pathogenic.

Literature cited by the submitters: PubMed 12118255; PubMed 21520335; PubMed 27032803.